The following is an entry in ClinVar:

ClinVar aggregate classification (germline): Uncertain significance (0 of 4 stars; one submission).

Conditions:
INTS6-related disorder. Also called: INTS6-related condition.

Submission:

PreventionGenetics, part of Exact Sciences
Classification: Uncertain significance for INTS6-related condition. Last evaluated: 2024-06-21. Review status: no assertion criteria provided. Collection method: clinical testing. Allele origin: germline.
Comment: The INTS6 c.90C>T variant is not predicted to result in an amino acid change (p.=). This variant is predicted to impact splicing based on splicing prediction programs (SpliceAI, Jaganathan et al. 2019. PubMed ID: 30661751). To our knowledge, this variant has not been reported in the literature or in a large population database, indicating this variant is rare. At this time, the clinical significance of this variant is uncertain due to the absence of conclusive functional and genetic evidence.

NM_012141.3(INTS6):c.90C>T (p.Gly30=)

Genes: INTS6 (integrator complex subunit 6; minus strand), LOC130009820 (ATAC-STARR-seq lymphoblastoid silent region 5371; plus strand). Cytogenetic location: 13q14.3.
Variant type: single nucleotide variant.
Coding change: c.90C>T on transcript NM_012141.3 (MANE Select); coding-DNA position 90, C replaced by T.
Protein change: p.Gly30=; no amino-acid change (glycine 30 retained).
Molecular consequence: synonymous variant. On other transcripts: 5 prime UTR variant (1).
Genome position (GRCh38, 1-based): chr13:51,452,436, G>A on the plus strand (C>T on the coding strand, the complement: INTS6 is on the minus strand). VCF-style: chr13-51452436-G-A. GRCh37 (hg19) VCF-style: chr13-52026572-G-A.
Other names: c.51C>T, p.Gly17= (NM_001039937.2); c.90C>T, p.Gly30= (NM_001039938.2); c.-729C>T (NM_001306091.2).
Identifiers: ClinVar variation 3346030 (VCV003346030.1).